The following is an entry in ClinVar:

ClinVar aggregate classification (germline): Likely benign. Review status: criteria provided, multiple submitters, no conflicts (2 of 4 stars). 5 submissions from 5 submitters: Likely benign (5). Last evaluated 2024-11-28.

Conditions:
Familial hypercholesterolemia. Also called: Familial hypercholesterolaemia; Familial hypercholesterolemias. Identifiers: MedGen C0020445, MONDO:0005439.
Hypercholesterolemia, autosomal dominant, 3 (FHCL3). Also called: PCSK9-Related Familial Hypercholesterolemia, Autosomal Dominant; Familial Hypercholesterolemia, Autosomal Dominant, 3; Familial hypercholesterolemia 3. Identifiers: MedGen C1863551, MONDO:0011369, OMIM 603776.

Allele frequency attached by ClinVar (database versions not stated): gnomAD exomes 0.00001; gnomAD 0.00002; TOPMed 0.00002.

Submissions (5):

GENinCode PLC
Classification: Likely benign for Familial hypercholesterolemia. Last evaluated: 2024-11-28. Review status: criteria provided, single submitter. Criteria: ACMG Guidelines, 2015. Collection method: clinical testing. Allele origin: germline.
Comment: This is a synonymous (silent) variant that is not predicted by SpliceAI to impact splicing. In addition, it occurs at a nucleotide that is not conserved. Therefore this variant has been classified as Likely Benign (BP4, BP7).

Blueprint Genetics
Classification: Likely benign. Last evaluated: 2024-06-27. Review status: criteria provided, single submitter. Criteria: ACMG Guidelines, 2015. Collection method: clinical testing. Allele origin: germline.

Labcorp Genetics (formerly Invitae), Labcorp
Classification: Likely benign for Hypercholesterolemia, autosomal dominant, 3. Last evaluated: 2024-06-18. Review status: criteria provided, single submitter. Criteria: Invitae Variant Classification Sherloc (09022015). Collection method: clinical testing. Allele origin: germline.

All of Us Research Program, National Institutes of Health
Classification: Likely benign for Hypercholesterolemia, autosomal dominant, 3. Last evaluated: 2023-05-16. Review status: criteria provided, single submitter. Criteria: ACMG Guidelines, 2015. Collection method: clinical testing. Allele origin: germline. Inheritance: Autosomal dominant inheritance. Observed: 1 variant allele, 1 heterozygote.
Comment: This study involves interpretation of variants in research participants for the purpose of population health screening. Participant phenotype was not available at the time of variant classification. Additional details can be found in publication PMID: 35346344, PMCID: PMC8962531

Color Diagnostics, LLC DBA Color Health
Classification: Likely benign for Familial hypercholesterolemias. Last evaluated: 2017-11-10. Review status: criteria provided, single submitter. Criteria: ACMG Guidelines, 2015. Collection method: clinical testing. Allele origin: germline.

NM_174936.4(PCSK9):c.1518G>A (p.Lys506=)

Gene: PCSK9 (proprotein convertase subtilisin/kexin type 9; plus strand). Cytogenetic location: 1p32.3.
Variant type: single nucleotide variant.
Coding change: c.1518G>A on transcript NM_174936.4 (MANE Select); coding-DNA position 1518, G replaced by A.
Protein change: p.Lys506=; no amino-acid change (lysine 506 retained).
Molecular consequence: synonymous variant. On other transcripts: non-coding transcript variant (7), intron variant (1).
Genome position (GRCh38, 1-based): chr1:55,059,500, G>A. VCF-style: chr1-55059500-G-A. GRCh37 (hg19) VCF-style: chr1-55525173-G-A.
Other names: c.1641G>A, p.Lys547= (NM_001407240.1); c.1560G>A, p.Lys520= (NM_001407241.1); c.1521G>A, p.Lys507= (NM_001407242.1); c.1461G>A, p.Lys487= (NM_001407243.1); c.1344G>A, p.Lys448= (NM_001407244.1); c.1326G>A, p.Lys442= (NM_001407245.1); c.1143G>A, p.Lys381= (NM_001407246.1); c.1181-1875G>A (NM_001407247.1).
Identifiers: ClinVar variation 630639 (VCV000630639.14), dbSNP rs903946804, ClinGen allele CA22765457.
Genomic context (GRCh38, chr1:55,059,500, plus strand): 5'-AAAGCCCATTCTAAAGCAGATTCCCATTTCCGTCTTTGACTCTAAGGCCCAAGGGGGCAA[G>A]CTGGTCTGCCGGGCCCACAACGCTTTTGGGGGTGAGGGTGTCTACGCCATTGCCAGGTGC-3'
Protein context (NP_777596.2, residues 496-516): RGERMEAQGG[Lys506=]LVCRAHNAFG